The following is an entry in ClinVar:

ClinVar aggregate classification (germline): Likely benign (1 of 4 stars; one submission).

Allele frequency attached by ClinVar (database versions not stated): 1000 Genomes Project 30x 0.00047; 1000 Genomes Project 0.00060; ESP Exome Variant Server 0.00092; gnomAD 0.00099; TOPMed 0.00129; ExAC 0.00132.
gnomAD v4.1: 2,496 of 1,613,416 alleles (0.15%); highest among the groups gnomAD compares: Non-Finnish European, 0.19%; 4 homozygotes.

Submission:

CeGaT Center for Human Genetics Tuebingen
Classification: Likely benign. Last evaluated: 2022-05-01. Review status: criteria provided, single submitter. Criteria: CeGaT Center For Human Genetics Tuebingen Variant Classification Criteria Version 2. Collection method: clinical testing. Allele origin: germline. Affected: yes. Observed: 1 variant allele.
Comment: PHLPP1: BP4, BP7

NM_194449.4(PHLPP1):c.2031C>T (p.Ser677=)

Gene: PHLPP1 (PH domain and leucine rich repeat protein phosphatase 1; plus strand). Cytogenetic location: 18q21.33.
Variant type: single nucleotide variant.
Coding change: c.2031C>T on transcript NM_194449.4 (MANE Select); coding-DNA position 2031, C replaced by T.
Protein change: p.Ser677=; no amino-acid change (serine 677 retained).
Molecular consequence: synonymous variant.
Genome position (GRCh38, 1-based): chr18:62,860,566, C>T. VCF-style: chr18-62860566-C-T. GRCh37 (hg19) VCF-style: chr18-60527799-C-T.
Identifiers: ClinVar variation 2648792 (VCV002648792.24), dbSNP rs187962936, ClinGen allele CA8985013.